The following is an entry in ClinVar:

ClinVar aggregate classification (germline): Benign/Likely benign. Review status: criteria provided, multiple submitters, no conflicts (2 of 4 stars). 3 submissions from 3 submitters: Benign (2); Likely benign (1). Last evaluated 2026-03-05.

Conditions:
MCM3AP-related disorder. Also called: MCM3AP-related condition.

Allele frequency attached by ClinVar (database versions not stated): ESP Exome Variant Server 0.00008; 1000 Genomes Project 30x 0.00484; 1000 Genomes Project 0.00539.
gnomAD v4.1: 1,625 of 1,614,138 alleles (0.1%); highest among the groups gnomAD compares: East Asian, 2.9%; 17 homozygotes.

Submissions (6):

PreventionGenetics, part of Exact Sciences
Classification: Likely benign for MCM3AP-related condition. Last evaluated: 2026-03-05. Review status: criteria provided, single submitter. Criteria: ACMG Guidelines, 2015. Collection method: clinical testing. Allele origin: germline.
Comment: This variant is classified as likely benign based on ACMG/AMP sequence variant interpretation guidelines (Richards et al. 2015 PMID: 25741868, with internal and published modifications).

Labcorp Genetics (formerly Invitae), Labcorp
Classification: Benign. Last evaluated: 2026-01-18. Review status: criteria provided, single submitter. Criteria: Invitae Variant Classification Sherloc (09022015). Collection method: clinical testing. Allele origin: germline.

Breakthrough Genomics
Classification: Benign. Review status: criteria provided, single submitter. Criteria: ACMG Guidelines, 2015. Collection method: not provided. Allele origin: germline. Inheritance: Autosomal recessive inheritance. Affected: yes.

Dr. Peter K. Rogan Lab, Western University
No classification provided (evidence only). Condition: Hepatocellular carcinoma. Review status: no classification provided. Collection method: in vitro. Allele origin: not applicable. Functional consequence: retained intron. Not counted in ClinVar's aggregate classification.

Dr. Peter K. Rogan Lab, Western University
No classification provided (evidence only). Condition: Hepatocellular carcinoma. Review status: no classification provided. Collection method: in vitro. Allele origin: not applicable. Functional consequence: retained intron. Not counted in ClinVar's aggregate classification.

Dr. Peter K. Rogan Lab, Western University
No classification provided (evidence only). Condition: Gastric cancer. Review status: no classification provided. Collection method: in vitro. Allele origin: not applicable. Functional consequence: retained intron. Not counted in ClinVar's aggregate classification.

NM_003906.5(MCM3AP):c.5491C>T (p.Arg1831Cys)

Genes: MCM3AP-AS1 (MCM3AP antisense RNA 1; plus strand), MCM3AP (minichromosome maintenance complex component 3 associated protein; minus strand). Cytogenetic location: 21q22.3.
Variant type: single nucleotide variant.
Coding change: c.5491C>T on transcript NM_003906.5 (MANE Select); coding-DNA position 5491, C replaced by T.
Protein change: p.Arg1831Cys; replaces arginine 1831 with cysteine.
Molecular consequence: missense variant. On other transcripts: non-coding transcript variant (4).
Genome position (GRCh38, 1-based): chr21:46,240,953, G>A on the plus strand (C>T on the coding strand, the complement: MCM3AP is on the minus strand). VCF-style: chr21-46240953-G-A. GRCh37 (hg19) VCF-style: chr21-47660867-G-A.
Other names: c.5491C>T (NM_003906.4); short protein forms R1831C.
Identifiers: ClinVar variation 1538140 (VCV001538140.11), dbSNP rs2298697, ClinGen allele CA10075834.